The following is an entry in ClinVar:

ClinVar aggregate classification (germline): Uncertain significance. Review status: criteria provided, multiple submitters, no conflicts (2 of 4 stars). 2 submissions from 2 submitters: Uncertain significance (2). Last evaluated 2025-06-22.

Allele frequency attached by ClinVar (database versions not stated): TOPMed 0.00002; ExAC 0.00004.
gnomAD v4.1: 12 of 1,614,050 alleles (0.00074%); highest among the groups gnomAD compares: Admixed American, 0.005%; no homozygotes.

Submissions (2):

Ambry Genetics
Classification: Uncertain significance. Last evaluated: 2025-06-22. Review status: criteria provided, single submitter. Criteria: Ambry Variant Classification Scheme 2023. Collection method: clinical testing. Allele origin: germline.

Labcorp Genetics (formerly Invitae), Labcorp
Classification: Uncertain significance. Last evaluated: 2024-06-13. Review status: criteria provided, single submitter. Criteria: Invitae Variant Classification Sherloc (09022015). Collection method: clinical testing. Allele origin: germline.
Comment: This sequence change replaces glutamic acid, which is acidic and polar, with aspartic acid, which is acidic and polar, at codon 213 of the MS4A1 protein (p.Glu213Asp). This variant is present in population databases (rs760788453, gnomAD 0.01%). This variant has not been reported in the literature in individuals affected with MS4A1-related conditions. ClinVar contains an entry for this variant (Variation ID: 2420673). An algorithm developed to predict the effect of missense changes on protein structure and function (PolyPhen-2) suggests that this variant is likely to be disruptive. In summary, the available evidence is currently insufficient to determine the role of this variant in disease. Therefore, it has been classified as a Variant of Uncertain Significance.

NM_152866.3(MS4A1):c.639G>T (p.Glu213Asp)

Gene: MS4A1 (membrane spanning 4-domains A1; plus strand). Cytogenetic location: 11q12.2.
Variant type: single nucleotide variant.
Coding change: c.639G>T on transcript NM_152866.3 (MANE Select); coding-DNA position 639, G replaced by T.
Protein change: p.Glu213Asp; replaces glutamic acid 213 with aspartic acid.
Molecular consequence: missense variant.
Genome position (GRCh38, 1-based): chr11:60,467,024, G>T. VCF-style: chr11-60467024-G-T. GRCh37 (hg19) VCF-style: chr11-60234497-G-T.
Other names: c.639G>T, p.Glu213Asp (NM_021950.4, NM_152867.2); short protein forms E213D.
Identifiers: ClinVar variation 2420673 (VCV002420673.7), dbSNP rs760788453, ClinGen allele CA6025045.
Genomic context (GRCh38, chr11:60,467,024, plus strand): 5'-TTTGTCAGTGATGCTGATCTTTGCCTTCTTCCAGGAACTTGTAATAGCTGGCATCGTTGA[G>T]AATGAATGGAAAAGAACGTGCTCCAGACCCAAATCTGTAAGTAGTAGCCCCTCTGGCCAA-3'
Protein context (NP_690605.1, residues 203-223): FQELVIAGIV[Glu213Asp]NEWKRTCSRP